The following is an entry in ClinVar:

NM_006269.2(RP1):c.3419del (p.Gly1140fs)

Gene: RP1 (RP1 axonemal microtubule associated; plus strand). Cytogenetic location: 8q12.1.
Variant type: Deletion.
Coding change: c.3419del on transcript NM_006269.2 (MANE Select); coding-DNA position 3419, one base deleted (G; older notation c.3419delG).
Protein change: p.Gly1140fs; shifts the reading frame from glycine 1140.
Molecular consequence: frameshift variant. On other transcripts: intron variant (1).
Genome position (GRCh38, 1-based): chr8:54,627,301, G deleted; the last of 3 consecutive G bases (chr8:54,627,299-54,627,301); deleting any one gives the same sequence. VCF-style (leftmost placement, unchanged base first): chr8-54627298-AG-A. GRCh37 (hg19) VCF-style: chr8-55539858-AG-A.
Other names: c.787+5013del (NM_001375654.1); short protein forms G1140fs.
Identifiers: ClinVar variation 844052 (VCV000844052.10), dbSNP rs1806088386, ClinGen allele CA916082993.

ClinVar aggregate classification (germline): Pathogenic (1 of 4 stars; one submission).

Submission:

Labcorp Genetics (formerly Invitae), Labcorp
Classification: Pathogenic. Last evaluated: 2019-12-31. Review status: criteria provided, single submitter. Criteria: Invitae Variant Classification Sherloc (09022015). Collection method: clinical testing. Allele origin: germline.
Comment: For these reasons, this variant has been classified as Pathogenic. This variant disrupts the C-terminus of the RP1 protein. Many variants that disrupt this region have been reported in individuals with either autosomal dominant or autosomal recessive retinitis pigmentosa (PMID: 11527933, 19933189, 29425069, 30027431). Therefore, variants that disrupt this region are expected to be disease-causing. This variant has been observed in individual(s) with autosomal recessive retinitis pigmentosa (PMID: 31079053). It has also been observed to segregate with disease in related individuals. This variant is not present in population databases (ExAC no frequency). This sequence change results in a premature translational stop signal in the RP1 gene (p.Gly1140Glufs*3). While this is not anticipated to result in nonsense mediated decay, it is expected to disrupt the last 1017 amino acids of the RP1 protein.

Literature cited by the submitters: PubMed 11527933; PubMed 19933189; PubMed 29425069; PubMed 30027431; PubMed 31079053.